The following is an entry in ClinVar:

ClinVar aggregate classification (germline): Uncertain significance (1 of 4 stars; one submission).

gnomAD v4.1: 13 of 1,609,214 alleles (0.00081%); highest among the groups gnomAD compares: Admixed American, 0.022%; no homozygotes.

Submission:

GeneDx
Classification: Uncertain significance. Last evaluated: 2025-01-16. Review status: criteria provided, single submitter. Criteria: GeneDx Variant Classification Process June 2021. Collection method: clinical testing. Allele origin: germline.
Comment: In silico analysis supports that this missense variant has a deleterious effect on protein structure/function; Has not been previously published as pathogenic or benign to our knowledge

NM_015656.2(KIF26A):c.449A>G (p.Glu150Gly)

Gene: KIF26A (kinesin family member 26A; plus strand). Cytogenetic location: 14q32.33.
Variant type: single nucleotide variant.
Coding change: c.449A>G on transcript NM_015656.2 (MANE Select); coding-DNA position 449, A replaced by G.
Protein change: p.Glu150Gly; replaces glutamic acid 150 with glycine.
Molecular consequence: missense variant.
Genome position (GRCh38, 1-based): chr14:104,152,175, A>G. VCF-style: chr14-104152175-A-G. GRCh37 (hg19) VCF-style: chr14-104618512-A-G.
Other names: short protein forms E150G.
Identifiers: ClinVar variation 3363347 (VCV003363347.2).